The following is an entry in ClinVar:

ClinVar aggregate classification (germline): Likely pathogenic (1 of 4 stars; one submission).

Submission:

Genetics Laboratory, UDIAT-Centre Diagnòstic, Hospital Universitari Parc Tauli
Classification: Likely pathogenic. Last evaluated: 2021-04-26. Review status: criteria provided, single submitter. Criteria: Parc Tauli Hospital Assertion Criteria 2021. Collection method: clinical testing. Allele origin: unknown. Inheritance: Autosomal dominant inheritance. Affected: yes. Observed: 1 heterozygote.
Comment: PVS1_strong;PM2_supporting;PP3_supporting

NM_017635.5(KMT5B):c.1569_1570del (p.Gly524fs)

Gene: KMT5B (lysine methyltransferase 5B; minus strand). Cytogenetic location: 11q13.2.
Variant type: Microsatellite.
Coding change: c.1569_1570del on transcript NM_017635.5 (MANE Select); coding-DNA positions 1569 to 1570, 2 bases deleted (AG; older notation c.1569_1570delAG).
Protein change: p.Gly524fs; shifts the reading frame from glycine 524.
Molecular consequence: frameshift variant.
Genome position (GRCh38, 1-based): chr11:68,158,776-68,158,777, CT deleted on the plus strand (AG on the coding strand, the reverse complement: KMT5B is on the minus strand); deleting any 2 consecutive bases within chr11:68,158,776-68,158,780 gives the same sequence; the c. name uses the placement nearest the transcript's 3' end. VCF-style (leftmost placement, unchanged base first): chr11-68158775-CCT-C. GRCh37 (hg19) VCF-style: chr11-67926242-CCT-C.
Other names: c.1053_1054del, p.Gly352fs (NM_001300907.1, NM_001369428.1, NM_001369429.1 and 4 more transcripts); c.849_850del, p.Gly284fs (NM_001300908.2); c.1569_1570del, p.Gly524fs (NM_001369426.1); short protein forms G284fs, G352fs, G524fs.
Identifiers: ClinVar variation 1098400 (VCV001098400.2), dbSNP rs2153040709, ClinGen allele CA2580615745.